The following is an entry in ClinVar:

ClinVar aggregate classification (germline): Likely benign. Review status: criteria provided, multiple submitters, no conflicts (2 of 4 stars). 3 submissions from 3 submitters: Likely benign (3). Last evaluated 2026-06-19.

Conditions:
FLNC-related disorder. Also called: FLNC-related disorders; FLNC-related condition.
Myofibrillar myopathy 5. Also called: FILAMINOPATHY, AUTOSOMAL DOMINANT; Filaminopathy (type). Identifiers: Orphanet 171445, MedGen C1836050, MONDO:0012289, OMIM 609524.
Hypertrophic cardiomyopathy 26. Also called: Cardiomyopathy, familial hypertrophic, 26. Identifiers: Orphanet 75249, MedGen C4310749, MONDO:0014883, OMIM 617047.
Distal myopathy with posterior leg and anterior hand involvement. Also called: WILLIAMS DISTAL MYOPATHY. Identifiers: Orphanet 63273, MedGen C3279722, MONDO:0013550, OMIM 614065.
Cardiovascular phenotype. Identifiers: MedGen CN230736.

Allele frequency attached by ClinVar (database versions not stated): gnomAD exomes 0.00001; ExAC 0.00002; gnomAD 0.00002; TOPMed 0.00003.

Submissions (3):

PreventionGenetics, part of Exact Sciences
Classification: Likely benign for FLNC-related condition. Last evaluated: 2026-06-19. Review status: criteria provided, single submitter. Criteria: ACMG Guidelines, 2015. Collection method: clinical testing. Allele origin: germline.
Comment: This variant is classified as likely benign based on ACMG/AMP sequence variant interpretation guidelines (Richards et al. 2015 PMID: 25741868, with internal and published modifications).

Labcorp Genetics (formerly Invitae), Labcorp
Classification: Likely benign for Distal myopathy with posterior leg and anterior hand involvement; Myofibrillar myopathy 5; Hypertrophic cardiomyopathy 26. Last evaluated: 2025-11-01. Review status: criteria provided, single submitter. Criteria: Invitae Variant Classification Sherloc (09022015). Collection method: clinical testing. Allele origin: germline.

Ambry Genetics
Classification: Likely benign for Cardiovascular phenotype. Last evaluated: 2023-02-07. Review status: criteria provided, single submitter. Criteria: Ambry Variant Classification Scheme 2023. Collection method: clinical testing. Allele origin: germline.

NM_001458.5(FLNC):c.6209-4C>T

Genes: FLNC (filamin C; plus strand), FLNC-AS1 (FLNC antisense RNA 1; minus strand). Cytogenetic location: 7q32.1.
Variant type: single nucleotide variant.
Coding change: c.6209-4C>T on transcript NM_001458.5 (MANE Select); 4 bases into the intron before coding-DNA position 6209, C replaced by T.
Molecular consequence: intron variant.
Genome position (GRCh38, 1-based): chr7:128,853,465, C>T. VCF-style: chr7-128853465-C-T. GRCh37 (hg19) VCF-style: chr7-128493519-C-T.
Other names: c.6110-4C>T (NM_001127487.2).
Identifiers: ClinVar variation 472128 (VCV000472128.15), dbSNP rs752959773, ClinGen allele CA4475923.